The following is an entry in ClinVar:

ClinVar aggregate classification (germline): Uncertain significance (1 of 4 stars; one submission).

Conditions:
Myofibrillar myopathy 4. Also called: Zaspopathy (type). Identifiers: Orphanet 98912, MedGen C4721886, MONDO:0012277, OMIM 609452.

Allele frequency attached by ClinVar (database versions not stated): gnomAD exomes below 0.00001.
gnomAD v4.1: 1 of 1,614,226 alleles (0.000062%); highest among the groups gnomAD compares: East Asian, 0.0022%; no homozygotes.

Submission:

Labcorp Genetics (formerly Invitae), Labcorp
Classification: Uncertain significance for Myofibrillar myopathy 4. Last evaluated: 2024-02-23. Review status: criteria provided, single submitter. Criteria: Invitae Variant Classification Sherloc (09022015). Collection method: clinical testing. Allele origin: germline.
Comment: This sequence change replaces glutamic acid, which is acidic and polar, with alanine, which is neutral and non-polar, at codon 246 of the LDB3 protein (p.Glu246Ala). This variant is present in population databases (no rsID available, gnomAD 0.006%). This variant has not been reported in the literature in individuals affected with LDB3-related conditions. ClinVar contains an entry for this variant (Variation ID: 1466323). An algorithm developed to predict the effect of missense changes on protein structure and function (PolyPhen-2) suggests that this variant is likely to be tolerated. In summary, the available evidence is currently insufficient to determine the role of this variant in disease. Therefore, it has been classified as a Variant of Uncertain Significance.

NM_007078.3(LDB3):c.878A>C (p.Glu293Ala)

Gene: LDB3 (LIM domain binding 3; plus strand). Cytogenetic location: 10q23.2.
Variant type: single nucleotide variant.
Coding change: c.878A>C on transcript NM_007078.3 (MANE Select); coding-DNA position 878, A replaced by C.
Protein change: p.Glu293Ala; replaces glutamic acid 293 with alanine.
Molecular consequence: missense variant.
Genome position (GRCh38, 1-based): chr10:86,692,553, A>C. VCF-style: chr10-86692553-A-C. GRCh37 (hg19) VCF-style: chr10-88452310-A-C.
Other names: c.737A>C, p.Glu246Ala (NM_001080114.2, NM_001080116.1, NM_001368066.1 and 2 more transcripts); c.878A>C, p.Glu293Ala (NM_001080115.2, NM_001368063.1, NM_001368064.1 and 1 more transcripts); c.1082A>C, p.Glu361Ala (NM_001171610.2, NM_001171611.2); short protein forms E293A, E361A, E246A.
Identifiers: ClinVar variation 1466323 (VCV001466323.8), dbSNP rs1288594486, ClinGen allele CA377443627.